The following is an entry in ClinVar:

NM_007078.3(LDB3):c.1920G>C (p.Lys640Asn)

Gene: LDB3 (LIM domain binding 3; plus strand). Cytogenetic location: 10q23.2.
Variant type: single nucleotide variant.
Coding change: c.1920G>C on transcript NM_007078.3 (MANE Select); coding-DNA position 1920, G replaced by C.
Protein change: p.Lys640Asn; replaces lysine 640 with asparagine.
Molecular consequence: missense variant.
Genome position (GRCh38, 1-based): chr10:86,718,789, G>C. VCF-style: chr10-86718789-G-C. GRCh37 (hg19) VCF-style: chr10-88478546-G-C.
Other names: c.1590G>C, p.Lys530Asn (NM_001080114.2); c.1935G>C, p.Lys645Asn (NM_001171610.2); c.1731G>C, p.Lys577Asn (NM_001368064.1, NM_001368065.1); c.1779G>C, p.Lys593Asn (NM_001368066.1); short protein forms K577N, K640N, K530N, K593N, K645N.
Identifiers: ClinVar variation 4614492 (VCV004614492.1).
Genomic context (GRCh38, chr10:86,718,789, plus strand): 5'-AGTAATGCATGCCTTGAGACAGACATGGCACACCACCTGCTTCGTCTGTGCGGCCTGCAA[G>C]AAGCCTTTTGGGAACAGCCTCTTCCACATGGAAGACGGGGAGCCCTACTGCGAGAAAGGT-3'
Protein context (NP_009009.1, residues 630-650): HTTCFVCAAC[Lys640Asn]KPFGNSLFHM

ClinVar aggregate classification (germline): Uncertain significance (1 of 4 stars; one submission).

Conditions:
Cardiovascular phenotype. Identifiers: MedGen CN230736.

gnomAD v4.1: 4 of 1,614,196 alleles (0.00025%); highest among the groups gnomAD compares: Non-Finnish European, 0.00034%; no homozygotes.

Submission:

Ambry Genetics
Classification: Uncertain significance for Cardiovascular phenotype. Last evaluated: 2025-10-27. Review status: criteria provided, single submitter. Criteria: Ambry Variant Classification Scheme 2023. Collection method: clinical testing. Allele origin: germline.
Comment: The p.K640N variant (also known as c.1920G>C), located in coding exon 11 of the LDB3 gene, results from a G to C substitution at nucleotide position 1920. The lysine at codon 640 is replaced by asparagine, an amino acid with similar properties. This amino acid position is conserved. In addition, this alteration is predicted to be tolerated by in silico analysis. Based on the available evidence, the clinical significance of this variant remains unclear.